The following is an entry in ClinVar:

ClinVar aggregate classification (germline): Likely benign (1 of 4 stars; one submission).

gnomAD v4.1: 149 of 1,614,114 alleles (0.0092%); highest among the groups gnomAD compares: African/African-American, 0.16%; no homozygotes.

Submission:

CeGaT Center for Human Genetics Tuebingen
Classification: Likely benign. Last evaluated: 2026-09-01. Review status: criteria provided, single submitter. Criteria: CeGaT Center For Human Genetics Tuebingen Variant Classification Criteria Version 2. Collection method: clinical testing. Allele origin: germline. Affected: yes. Observed: 1 variant allele.
Comment: AHNAK: BP4, BP7

NM_001620.3(AHNAK):c.4650T>G (p.Val1550=)

Gene: AHNAK (AHNAK nucleoprotein; minus strand). Cytogenetic location: 11q12.3.
Variant type: single nucleotide variant.
Coding change: c.4650T>G on transcript NM_001620.3 (MANE Select); coding-DNA position 4650, T replaced by G.
Protein change: p.Val1550=; no amino-acid change (valine 1550 retained).
Molecular consequence: synonymous variant. On other transcripts: intron variant (1).
Genome position (GRCh38, 1-based): chr11:62,529,767, A>C on the plus strand (T>G on the coding strand, the complement: AHNAK is on the minus strand). VCF-style: chr11-62529767-A-C. GRCh37 (hg19) VCF-style: chr11-62297239-A-C.
Other names: c.4650T>G, p.Val1550= (NM_001346445.2, NM_001346446.2); c.342+5236T>G (NM_024060.4).
Identifiers: ClinVar variation 5041118 (VCV005041118.1).